The following is an entry in ClinVar:

NM_020774.4(MIB1):c.2777T>C (p.Ile926Thr)

Gene: MIB1 (MIB E3 ubiquitin protein ligase 1; plus strand). Cytogenetic location: 18q11.2.
Variant type: single nucleotide variant.
Coding change: c.2777T>C on transcript NM_020774.4 (MANE Select); coding-DNA position 2777, T replaced by C.
Protein change: p.Ile926Thr; replaces isoleucine 926 with threonine.
Molecular consequence: missense variant.
Genome position (GRCh38, 1-based): chr18:21,857,241, T>C. VCF-style: chr18-21857241-T-C. GRCh37 (hg19) VCF-style: chr18-19437202-T-C.
Other names: short protein forms I926T.
Identifiers: ClinVar variation 3766415 (VCV003766415.1).

ClinVar aggregate classification (germline): Uncertain significance (1 of 4 stars; one submission).

gnomAD v4.1: 1 of 1,606,836 alleles (0.000062%); highest among the groups gnomAD compares: Admixed American, 0.0017%; no homozygotes.

Submission:

GeneDx
Classification: Uncertain significance. Last evaluated: 2024-08-27. Review status: criteria provided, single submitter. Criteria: GeneDx Variant Classification Process June 2021. Collection method: clinical testing. Allele origin: germline. Affected: yes.
Comment: Has not been previously published as pathogenic or benign to our knowledge; Not observed at significant frequency in large population cohorts (gnomAD); In silico analysis indicates that this missense variant does not alter protein structure/function